The following is an entry in ClinVar:

ClinVar aggregate classification (germline): Likely benign. Review status: criteria provided, multiple submitters, no conflicts (2 of 4 stars). 3 submissions from 3 submitters: Likely benign (3). Last evaluated 2026-06-28.

Conditions:
Cardiovascular phenotype. Identifiers: MedGen CN230736.
Brugada syndrome. Also called: Sudden unexplained nocturnal death syndrome; Sudden unexpected nocturnal death syndrome; Sudden Unexplained Death Syndrome; Sudden Unexplained Nocturnal Death Syndrome (SUNDS). Identifiers: Orphanet 130, MedGen C1142166, MONDO:0015263.
SCN10A-related disorder. Also called: SCN10A-related condition.

Allele frequency attached by ClinVar (database versions not stated): ExAC 0.00001; gnomAD 0.00006; TOPMed 0.00006; ESP Exome Variant Server 0.00008.
gnomAD v4.1: 14 of 1,601,746 alleles (0.00087%); highest among the groups gnomAD compares: African/African-American, 0.019%; no homozygotes.

Submissions (3):

PreventionGenetics, part of Exact Sciences
Classification: Likely benign for SCN10A-related condition. Last evaluated: 2026-06-28. Review status: criteria provided, single submitter. Criteria: ACMG Guidelines, 2015. Collection method: clinical testing. Allele origin: germline.
Comment: This variant is classified as likely benign based on ACMG/AMP sequence variant interpretation guidelines (Richards et al. 2015 PMID: 25741868, with internal and published modifications).

Labcorp Genetics (formerly Invitae), Labcorp
Classification: Likely benign for Brugada syndrome. Last evaluated: 2024-07-23. Review status: criteria provided, single submitter. Criteria: Invitae Variant Classification Sherloc (09022015). Collection method: clinical testing. Allele origin: germline.

Ambry Genetics
Classification: Likely benign for Cardiovascular phenotype. Last evaluated: 2019-09-27. Review status: criteria provided, single submitter. Criteria: Ambry Variant Classification Scheme 2023. Collection method: clinical testing. Allele origin: germline.

NM_006514.4(SCN10A):c.1689G>A (p.Arg563=)

Gene: SCN10A (sodium voltage-gated channel alpha subunit 10; minus strand). Cytogenetic location: 3p22.2.
Variant type: single nucleotide variant.
Coding change: c.1689G>A on transcript NM_006514.4 (MANE Select); coding-DNA position 1689, G replaced by A.
Protein change: p.Arg563=; no amino-acid change (arginine 563 retained).
Molecular consequence: synonymous variant. On other transcripts: intron variant (1).
Genome position (GRCh38, 1-based): chr3:38,752,285, C>T on the plus strand (G>A on the coding strand, the complement: SCN10A is on the minus strand). VCF-style: chr3-38752285-C-T. GRCh37 (hg19) VCF-style: chr3-38793776-C-T.
Other names: c.1689G>A (NM_006514.3); c.1689G>A, p.Arg563= (NM_001293306.2); c.1462-2101G>A (NM_001293307.2).
Identifiers: ClinVar variation 1778082 (VCV001778082.8), dbSNP rs141723935, ClinGen allele CA2320784.